The following is an entry in ClinVar:

ClinVar aggregate classification (germline): Likely benign (1 of 4 stars; one submission).

gnomAD v4.1: 2 of 1,608,278 alleles (0.00012%); highest among the groups gnomAD compares: Non-Finnish European, 0.00017%; no homozygotes.

Submission:

GeneDx
Classification: Likely benign. Last evaluated: 2016-04-22. Review status: criteria provided, single submitter. Criteria: GeneDx Variant Classification (06012015). Collection method: clinical testing. Allele origin: germline. Affected: yes.
Comment: This variant is considered likely benign or benign based on one or more of the following criteria: it is a conservative change, it occurs at a poorly conserved position in the protein, it is predicted to be benign by multiple in silico algorithms, and/or has population frequency not consistent with disease.

NM_013335.4(GMPPA):c.1206G>T (p.Ser402=)

Genes: ASIC4-AS1 (ASIC4 antisense RNA 1; minus strand), GMPPA (GDP-mannose pyrophosphorylase A; plus strand). Cytogenetic location: 2q35.
Variant type: single nucleotide variant.
Coding change: c.1206G>T on transcript NM_013335.4 (MANE Select); coding-DNA position 1206, G replaced by T.
Protein change: p.Ser402=; no amino-acid change (serine 402 retained).
Molecular consequence: synonymous variant.
Genome position (GRCh38, 1-based): chr2:219,506,741, G>T. VCF-style: chr2-219506741-G-T. GRCh37 (hg19) VCF-style: chr2-220371463-G-T.
Other names: c.1206G>T, p.Ser402= (NM_205847.3).
Identifiers: ClinVar variation 385433 (VCV000385433.1), dbSNP rs763262265, ClinGen allele CA2128471.